The following is an entry in ClinVar:

NM_001018115.3(FANCD2):c.808T>G (p.Leu270Val)

Genes: FANCD2 (FA complementation group D2; plus strand), LOC107303338 (3p25 FANCD2 Alu-mediated recombination region; plus strand). Cytogenetic location: 3p25.3.
Variant type: single nucleotide variant.
Coding change: c.808T>G on transcript NM_001018115.3 (MANE Select); coding-DNA position 808, T replaced by G.
Protein change: p.Leu270Val; replaces leucine 270 with valine.
Molecular consequence: missense variant.
Genome position (GRCh38, 1-based): chr3:10,042,583, T>G. VCF-style: chr3-10042583-T-G. GRCh37 (hg19) VCF-style: chr3-10084267-T-G.
Other names: c.808T>G, p.Leu270Val (NM_001319984.2, NM_001374253.1, NM_001374254.1 and 1 more transcripts); c.808T>G (NM_033084.3); short protein forms L270V.
Identifiers: ClinVar variation 1436760 (VCV001436760.7), dbSNP rs138587722, ClinGen allele CA2249374.

ClinVar aggregate classification (germline): Uncertain significance. Review status: criteria provided, multiple submitters, no conflicts (2 of 4 stars). 4 submissions from 4 submitters: Uncertain significance (4). Last evaluated 2024-08-22.

Conditions:
Inborn genetic diseases. Identifiers: MedGen C0950123, MeSH D030342.
Fanconi anemia complementation group D2. Also called: FANCD2-Related Fanconi Anemia; FANCONI PANCYTOPENIA, TYPE 4; FANCONI ANEMIA, COMPLEMENTATION GROUP D. Identifiers: Orphanet 84, MedGen C3160738, MONDO:0009214, OMIM 227646.
Fanconi anemia (FA). Also called: Fanconi's anemia. Identifiers: Orphanet 84, MedGen C0015625, MeSH D005199, MONDO:0019391.

Allele frequency attached by ClinVar (database versions not stated): gnomAD exomes 0.00002 and 0.00004; ExAC 0.00005; gnomAD 0.00015 and 0.00017; TOPMed 0.00018; ESP Exome Variant Server 0.00031.
gnomAD v4.1: 49 of 1,614,118 alleles (0.003%); highest among the groups gnomAD compares: African/African-American, 0.061%; no homozygotes.

Submissions (4):

Labcorp Genetics (formerly Invitae), Labcorp
Classification: Uncertain significance for Fanconi anemia. Last evaluated: 2024-08-22. Review status: criteria provided, single submitter. Criteria: Invitae Variant Classification Sherloc (09022015). Collection method: clinical testing. Allele origin: germline.
Comment: This sequence change replaces leucine, which is neutral and non-polar, with valine, which is neutral and non-polar, at codon 270 of the FANCD2 protein (p.Leu270Val). This variant is present in population databases (rs138587722, gnomAD 0.05%). This variant has not been reported in the literature in individuals affected with FANCD2-related conditions. ClinVar contains an entry for this variant (Variation ID: 1436760). Invitae Evidence Modeling of protein sequence and biophysical properties (such as structural, functional, and spatial information, amino acid conservation, physicochemical variation, residue mobility, and thermodynamic stability) indicates that this missense variant is not expected to disrupt FANCD2 protein function with a negative predictive value of 80%. In summary, the available evidence is currently insufficient to determine the role of this variant in disease. Therefore, it has been classified as a Variant of Uncertain Significance.

Ambry Genetics
Classification: Uncertain significance for Inborn genetic diseases. Last evaluated: 2022-12-19. Review status: criteria provided, single submitter. Criteria: Ambry Variant Classification Scheme 2023. Collection method: clinical testing. Allele origin: germline.

Fulgent Genetics
Classification: Uncertain significance for Fanconi anemia complementation group D2. Last evaluated: 2022-05-25. Review status: criteria provided, single submitter. Criteria: ACMG Guidelines, 2015. Collection method: clinical testing. Allele origin: unknown.

Breakthrough Genomics
Classification: Uncertain significance. Review status: criteria provided, single submitter. Criteria: ACMG Guidelines, 2015. Collection method: not provided. Allele origin: germline. Inheritance: Autosomal recessive inheritance. Affected: yes.